The following is an entry in ClinVar:

ClinVar aggregate classification (germline): Benign (1 of 4 stars; one submission).

Conditions:
Leigh syndrome (NULS). Also called: Leigh's necrotizing encephalopathy; Leigh's disease; Leigh Syndrome (mtDNA deletion); Leigh Disease; Subacute necrotizing encephalopathy; Necrotizing encephalopathy infantile subacute of Leigh. Identifiers: Orphanet 506, MedGen C2931891, MONDO:0009723, OMIM 256000.

Submission:

Wong Mito Lab, Molecular and Human Genetics, Baylor College of Medicine
Classification: Benign for Leigh syndrome. Last evaluated: 2019-10-17. Review status: criteria provided, single submitter. Criteria: Modified ACMG Guidelines (Unpublished). Collection method: clinical testing. Allele origin: germline.
Comment: The NC_012920.1:m.8978T>C (YP_003024031.1:p.Ile151Thr) variant in MTATP6 gene is interpretated to be a Benign variant based on the modified ACMG guidelines (unpublished). This variant meets the following evidence codes: BS1, BS4

NC_012920.1(MT-ATP6):m.8978T>C

Gene: MT-ATP6 (mitochondrially encoded ATP synthase 6; plus strand).
Variant type: single nucleotide variant.
Genome position: chrM-8978-T-C.
Identifiers: ClinVar variation 693042 (VCV000693042.1), dbSNP rs1603221954, ClinGen allele CA414801726.